The following is an entry in ClinVar:

ClinVar aggregate classification (germline): Likely benign. Review status: criteria provided, multiple submitters, no conflicts (2 of 4 stars). 3 submissions from 3 submitters: Likely benign (2). 1 of the submissions does not count toward it. Last evaluated 2025-08-04.

Conditions:
PLEKHG2-related disorder. Also called: PLEKHG2-related condition.

Allele frequency attached by ClinVar (database versions not stated): TOPMed 0.00010; ExAC 0.00016; gnomAD 0.00022; ESP Exome Variant Server 0.00031.
gnomAD v4.1: 337 of 1,610,618 alleles (0.021%); highest among the groups gnomAD compares: Non-Finnish European, 0.023%; 1 homozygote.

Submissions (3):

Labcorp Genetics (formerly Invitae), Labcorp
Classification: Likely benign. Last evaluated: 2025-08-04. Review status: criteria provided, single submitter. Criteria: Invitae Variant Classification Sherloc (09022015). Collection method: clinical testing. Allele origin: germline.

Blueprint Genetics
Classification: Likely benign. Last evaluated: 2024-06-10. Review status: criteria provided, single submitter. Criteria: ACMG Guidelines, 2015. Collection method: clinical testing. Allele origin: germline.

PreventionGenetics, part of Exact Sciences
Classification: Likely benign for PLEKHG2-related condition. Last evaluated: 2020-02-19. Review status: no assertion criteria provided. Collection method: clinical testing. Allele origin: germline. Not counted in ClinVar's aggregate classification.
Comment: This variant is classified as likely benign based on ACMG/AMP sequence variant interpretation guidelines (Richards et al. 2015 PMID: 25741868, with internal and published modifications).

NM_022835.3(PLEKHG2):c.1260C>G (p.Ala420=)

Gene: PLEKHG2 (pleckstrin homology and RhoGEF domain containing G2; plus strand). Cytogenetic location: 19q13.2.
Variant type: single nucleotide variant.
Coding change: c.1260C>G on transcript NM_022835.3 (MANE Select); coding-DNA position 1260, C replaced by G.
Protein change: p.Ala420=; no amino-acid change (alanine 420 retained).
Molecular consequence: synonymous variant.
Genome position (GRCh38, 1-based): chr19:39,419,000, C>G. VCF-style: chr19-39419000-C-G. GRCh37 (hg19) VCF-style: chr19-39909640-C-G.
Other names: c.1083C>G, p.Ala361= (NM_001351693.2); c.1260C>G, p.Ala420= (NM_001351694.2).
Identifiers: ClinVar variation 3051152 (VCV003051152.5), dbSNP rs141080685, ClinGen allele CA9429406.